The following is an entry in ClinVar:

NM_001258392.3(CLPB):c.220C>A (p.Gln74Lys)

Genes: CLPB (ClpB family mitochondrial disaggregase; minus strand), LOC130006336 (ATAC-STARR-seq lymphoblastoid active region 5191; plus strand). Cytogenetic location: 11q13.4.
Variant type: single nucleotide variant.
Coding change: c.220C>A on transcript NM_001258392.3 (MANE Select); coding-DNA position 220, C replaced by A.
Protein change: p.Gln74Lys; replaces glutamine 74 with lysine.
Molecular consequence: missense variant. On other transcripts: 5 prime UTR variant (1).
Genome position (GRCh38, 1-based): chr11:72,434,255, G>T on the plus strand (C>A on the coding strand, the complement: CLPB is on the minus strand). VCF-style: chr11-72434255-G-T. GRCh37 (hg19) VCF-style: chr11-72145299-G-T.
Other names: c.220C>A, p.Gln74Lys (NM_001258393.3, NM_030813.6); c.-23C>A (NM_001258394.3); short protein forms Q74K.
Identifiers: ClinVar variation 4882686 (VCV004882686.2).
Genomic context (GRCh38, chr11:72,434,255, plus strand): 5'-GACCAGGAAGGCGTCCCCAAGTGGCAGCCGCGAGGCATTTGGTATCGAAGCGTCCTCCCT[G>T]GCGCCCCCCGGTGGCTGCCCCACGTCCGGAGAACAAGGCCGGCGATGTTCCAGGGCGCCC-3'
Protein context (NP_001245321.1, residues 64-84): SGRGAATGGR[Gln74Lys]GGRFDTKCLA

ClinVar aggregate classification (germline): Uncertain significance (1 of 4 stars; one submission).

Submission:

Dasa
Classification: Uncertain significance. Last evaluated: 2025-08-18. Review status: criteria provided, single submitter. Criteria: DASA Assertion Criteria. Collection method: clinical testing. Allele origin: germline.
Comment: NM_001258392.3(CLPB):c.220C>A (p.Gln74Lys) is a missense variant that results in the substitution of glutamine with lysine. This variant is absent from population databases. Computational prediction algorithms are consistent with a benign effect. The currently available literature and clinical evidence are not sufficient to establish a definitive association between this variant and the reported condition. Therefore, this variant is classified as a variant of uncertain significance.